The following is an entry in ClinVar:

NM_004380.3(CREBBP):c.4661A>G (p.Lys1554Arg)

Gene: CREBBP (CREB binding lysine acetyltransferase; minus strand). Cytogenetic location: 16p13.3.
Variant type: single nucleotide variant.
Coding change: c.4661A>G on transcript NM_004380.3 (MANE Select); coding-DNA position 4661, A replaced by G.
Protein change: p.Lys1554Arg; replaces lysine 1554 with arginine.
Molecular consequence: missense variant.
Genome position (GRCh38, 1-based): chr16:3,736,103, T>C on the plus strand (A>G on the coding strand, the complement: CREBBP is on the minus strand). VCF-style: chr16-3736103-T-C. GRCh37 (hg19) VCF-style: chr16-3786104-T-C.
Other names: c.4547A>G, p.Lys1516Arg (NM_001079846.1); short protein forms K1516R, K1554R.
Identifiers: ClinVar variation 2633556 (VCV002633556.3), dbSNP rs2548361989, ClinGen allele CA394562357.

ClinVar aggregate classification (germline): Uncertain significance (0 of 4 stars; one submission).

Conditions:
CREBBP-related disorder. Also called: CREBBP-related condition; CREBBP-related disorders.

Allele frequency attached by ClinVar (database versions not stated): gnomAD exomes below 0.00001.
gnomAD v4.1: 1 of 1,614,258 alleles (0.000062%); highest among the groups gnomAD compares: Non-Finnish European, 0.000085%; no homozygotes.

Submission:

PreventionGenetics, part of Exact Sciences
Classification: Uncertain significance for CREBBP-related condition. Last evaluated: 2023-12-06. Review status: no assertion criteria provided. Collection method: clinical testing. Allele origin: germline.
Comment: The CREBBP c.4661A>G variant is predicted to result in the amino acid substitution p.Lys1554Arg. To our knowledge, this variant has not been reported in the literature or in a large population database, indicating this variant is rare. At this time, the clinical significance of this variant is uncertain due to the absence of conclusive functional and genetic evidence.